The following is an entry in ClinVar:

NM_020433.5(JPH2):c.1582G>A (p.Glu528Lys)

Gene: JPH2 (junctophilin 2; minus strand). Cytogenetic location: 20q13.12.
Variant type: single nucleotide variant.
Coding change: c.1582G>A on transcript NM_020433.5 (MANE Select); coding-DNA position 1582, G replaced by A.
Protein change: p.Glu528Lys; replaces glutamic acid 528 with lysine.
Molecular consequence: missense variant.
Genome position (GRCh38, 1-based): chr20:44,116,093, C>T on the plus strand (G>A on the coding strand, the complement: JPH2 is on the minus strand). VCF-style: chr20-44116093-C-T. GRCh37 (hg19) VCF-style: chr20-42744733-C-T.
Other names: p.E528K:GAG>AAG; short protein forms E528K.
Identifiers: ClinVar variation 201802 (VCV000201802.8), dbSNP rs794729026, ClinGen allele CA335238.
Genomic context (GRCh38, chr20:44,116,093, plus strand): 5'-GAGCCTCGATGGCCATGCGCTCGGTGGCTGGACGCGCGGGGCTGCGGCGGCCCGCGCCCT[C>T]GGACGGAGTGACTGACCGGCTGCCCTCACCGCTGGGCTCGCCGTTCCAGGCGCCTGGGCT-3'
Protein context (NP_065166.2, residues 518-538): GEGSRSVTPS[Glu528Lys]GAGRRSPARP

ClinVar aggregate classification (germline): Uncertain significance. Review status: criteria provided, multiple submitters, no conflicts (2 of 4 stars). 4 submissions from 4 submitters: Uncertain significance (4). Last evaluated 2025-10-16.

Conditions:
Cardiovascular phenotype. Identifiers: MedGen CN230736.
Hypertrophic cardiomyopathy. Also called: HYPERTROPHIC MYOCARDIOPATHY. Identifiers: Orphanet 217569, MedGen C0007194, MeSH D002312, MONDO:0005045, HP:0001639.

Allele frequency attached by ClinVar (database versions not stated): TOPMed 0.00001; gnomAD exomes 0.00001; gnomAD 0.00003.
gnomAD v4.1: 12 of 1,504,024 alleles (0.0008%); highest among the groups gnomAD compares: African/African-American, 0.0014%; no homozygotes.

Submissions (4):

Labcorp Genetics (formerly Invitae), Labcorp
Classification: Uncertain significance for Hypertrophic cardiomyopathy. Last evaluated: 2025-10-16. Review status: criteria provided, single submitter. Criteria: Invitae Variant Classification Sherloc (09022015). Collection method: clinical testing. Allele origin: germline.
Comment: This sequence change replaces glutamic acid, which is acidic and polar, with lysine, which is basic and polar, at codon 528 of the JPH2 protein (p.Glu528Lys). This variant is present in population databases (rs794729026, gnomAD 0.002%). This variant has not been reported in the literature in individuals affected with JPH2-related conditions. ClinVar contains an entry for this variant (Variation ID: 201802). An algorithm developed to predict the effect of missense changes on protein structure and function (PolyPhen-2) suggests that this variant is likely to be tolerated. In summary, the available evidence is currently insufficient to determine the role of this variant in disease. Therefore, it has been classified as a Variant of Uncertain Significance.

Ambry Genetics
Classification: Uncertain significance for Cardiovascular phenotype. Last evaluated: 2024-07-30. Review status: criteria provided, single submitter. Criteria: Ambry Variant Classification Scheme 2023. Collection method: clinical testing. Allele origin: germline.
Comment: The p.E528K variant (also known as c.1582G>A), located in coding exon 4 of the JPH2 gene, results from a G to A substitution at nucleotide position 1582. The glutamic acid at codon 528 is replaced by lysine, an amino acid with similar properties. This amino acid position is conserved. In addition, this alteration is predicted to be tolerated by in silico analysis. Based on the available evidence, the clinical significance of this variant remains unclear.

Blueprint Genetics
Classification: Uncertain significance. Last evaluated: 2023-04-28. Review status: criteria provided, single submitter. Criteria: ACMG Guidelines, 2015. Collection method: clinical testing. Allele origin: germline.

GeneDx
Classification: Uncertain significance. Last evaluated: 2014-04-28. Review status: criteria provided, single submitter. Criteria: GeneDx Variant Classification (06012015). Collection method: clinical testing. Allele origin: germline. Affected: yes.
Comment: The E528K variant has not been published as a mutation, nor has it been reported as a benign polymorphism to our knowledge. The E528K variant was not observed in approximately 4,200 individuals of European and African American ancestry in the NHLBI Exome Sequencing Project, indicating it is not a common benign variant in these populations. The E528K variant is a non-conservative amino acid substitution, which is likely to impact secondary protein structure as these residues differ in polarity, charge, size and/or other properties. However, this substitution occurs at a position that is not conserved across species. In silico analysis predicts this variant likely does not alter the protein structure/function. No missense mutations in nearby residues have been reported in association with HCM, suggesting this region of the protein may be tolerant of change. Therefore, based on the currently available information, it is unclear whether this variant is a pathogenic mutation or a rare benign variant. The variant is found in CARDIOMYOPATHY panel(s).